The following is an entry in ClinVar:

NM_001277115.2(DNAH11):c.6151del (p.Thr2051fs)

Gene: DNAH11 (dynein axonemal heavy chain 11; plus strand). Cytogenetic location: 7p15.3.
Variant type: Deletion.
Coding change: c.6151del on transcript NM_001277115.2 (MANE Select); coding-DNA position 6151, one base deleted (A; older notation c.6151delA).
Protein change: p.Thr2051fs; shifts the reading frame from threonine 2051.
Molecular consequence: frameshift variant.
Genome position (GRCh38, 1-based): chr7:21,698,184, A deleted. VCF-style (leftmost placement, unchanged base first): chr7-21698183-CA-C. GRCh37 (hg19) VCF-style: chr7-21737801-CA-C.
Other names: short protein forms T2051fs.
Identifiers: ClinVar variation 3643909 (VCV003643909.2).

ClinVar aggregate classification (germline): Pathogenic (1 of 4 stars; one submission).

Conditions:
Primary ciliary dyskinesia. Also called: Ciliary dyskinesia. Identifiers: Orphanet 244, MedGen C0008780, MONDO:0016575, HP:0012265.

Submission:

Labcorp Genetics (formerly Invitae), Labcorp
Classification: Pathogenic for Primary ciliary dyskinesia. Last evaluated: 2024-03-01. Review status: criteria provided, single submitter. Criteria: Invitae Variant Classification Sherloc (09022015). Collection method: clinical testing. Allele origin: germline.
Comment: This sequence change creates a premature translational stop signal (p.Thr2051Argfs*30) in the DNAH11 gene. It is expected to result in an absent or disrupted protein product. Loss-of-function variants in DNAH11 are known to be pathogenic (PMID: 18022865, 20513915, 22184204). This variant is not present in population databases (gnomAD no frequency). This variant has not been reported in the literature in individuals affected with DNAH11-related conditions. For these reasons, this variant has been classified as Pathogenic.

Literature cited by the submitters: PubMed 18022865; PubMed 20513915; PubMed 22184204.